The following is an entry in ClinVar:

ClinVar aggregate classification (germline): Benign/Likely benign. Review status: criteria provided, multiple submitters, no conflicts (2 of 4 stars). 6 submissions from 6 submitters: Benign (1); Likely benign (5). Last evaluated 2026-02-03.

Conditions:
Cardiovascular phenotype. Identifiers: MedGen CN230736.
Naxos disease (NXD). Also called: PALMOPLANTAR KERATODERMA WITH ARRHYTHMOGENIC RIGHT VENTRICULAR CARDIOMYOPATHY AND WOOLLY HAIR; WOOLLY HAIR, PALMOPLANTAR KERATODERMA, AND CARDIAC ABNORMALITIES; CARDIOMYOPATHY, ARRHYTHMOGENIC RIGHT VENTRICULAR, WITH SKIN, HAIR, AND NAIL ABNORMALITIES; KERATOSIS PALMOPLANTARIS WITH ARRHYTHMOGENIC CARDIOMYOPATHY; MAL DE NAXOS. Identifiers: Orphanet 34217, MedGen C1832600, MONDO:0011017, OMIM 601214.
Arrhythmogenic right ventricular dysplasia 12. Also called: ARRHYTHMOGENIC RIGHT VENTRICULAR DYSPLASIA, FAMILIAL, 12. Identifiers: MedGen C1969081, MONDO:0012684, OMIM 611528.

Allele frequency attached by ClinVar (database versions not stated): ExAC 0.00009; gnomAD exomes 0.00009; gnomAD 0.00012 and 0.00014; TOPMed 0.00015; ESP Exome Variant Server 0.00023.
gnomAD v4.1: 63 of 1,613,970 alleles (0.0039%); highest among the groups gnomAD compares: African/African-American, 0.04%; no homozygotes.

Submissions (6):

Labcorp Genetics (formerly Invitae), Labcorp
Classification: Likely benign for Arrhythmogenic right ventricular dysplasia 12; Naxos disease. Last evaluated: 2026-02-03. Review status: criteria provided, single submitter. Criteria: Invitae Variant Classification Sherloc (09022015). Collection method: clinical testing. Allele origin: germline.

Blueprint Genetics
Classification: Likely benign. Last evaluated: 2024-06-10. Review status: criteria provided, single submitter. Criteria: ACMG Guidelines, 2015. Collection method: clinical testing. Allele origin: germline.

Women's Health and Genetics/Laboratory Corporation of America, LabCorp
Classification: Benign. Last evaluated: 2023-07-22. Review status: criteria provided, single submitter. Criteria: LabCorp Variant Classification Summary - May 2015. Collection method: clinical testing. Allele origin: germline.

Fulgent Genetics
Classification: Likely benign for Naxos disease; Arrhythmogenic right ventricular dysplasia 12. Last evaluated: 2021-09-23. Review status: criteria provided, single submitter. Criteria: ACMG Guidelines, 2015. Collection method: clinical testing. Allele origin: unknown.

GeneDx
Classification: Likely benign. Last evaluated: 2017-12-20. Review status: criteria provided, single submitter. Criteria: GeneDx Variant Classification (06012015). Collection method: clinical testing. Allele origin: germline. Affected: yes.
Comment: This variant is considered likely benign or benign based on one or more of the following criteria: it is a conservative change, it occurs at a poorly conserved position in the protein, it is predicted to be benign by multiple in silico algorithms, and/or has population frequency not consistent with disease.

Ambry Genetics
Classification: Likely benign for Cardiovascular phenotype. Last evaluated: 2017-10-12. Review status: criteria provided, single submitter. Criteria: Ambry Variant Classification Scheme 2023. Collection method: clinical testing. Allele origin: germline.

NM_002230.4(JUP):c.84G>A (p.Ser28=)

Gene: JUP (junction plakoglobin; minus strand). Cytogenetic location: 17q21.2.
Variant type: single nucleotide variant.
Coding change: c.84G>A on transcript NM_002230.4 (MANE Select); coding-DNA position 84, G replaced by A.
Protein change: p.Ser28=; no amino-acid change (serine 28 retained).
Molecular consequence: synonymous variant.
Genome position (GRCh38, 1-based): chr17:41,771,771, C>T on the plus strand (G>A on the coding strand, the complement: JUP is on the minus strand). VCF-style: chr17-41771771-C-T. GRCh37 (hg19) VCF-style: chr17-39928023-C-T.
Other names: c.84G>A (NM_021991.2); c.84G>A, p.Ser28= (NM_001352773.2, NM_001352774.2, NM_001352775.2 and 3 more transcripts).
Identifiers: ClinVar variation 514183 (VCV000514183.16), dbSNP rs144137028, ClinGen allele CA8565589.
Genomic context (GRCh38, chr17:41,771,771, plus strand): 5'-GGCCTCATCCTCCTCCATGATGCCCTTGCTGCTGACGGAGGGCACGCAGGTGTTGGCGCC[C>T]GAGTGGATACCCGAGTCGTAGGTGTATGTCTGCTGCCACTCAGTCACCTTGATAGGCTGC-3'
Protein context (NP_002221.1, residues 18-38): QTYTYDSGIH[Ser28=]GANTCVPSVS